The following is an entry in ClinVar:

ClinVar aggregate classification (germline): Uncertain significance (1 of 4 stars; one submission).

Submission:

Dasa
Classification: Uncertain significance. Last evaluated: 2026-07-20. Review status: criteria provided, single submitter. Criteria: DASA Assertion Criteria. Collection method: clinical testing. Allele origin: germline.
Comment: NM_001130021.3(ATP6V0A1):c.596A>G (p.Gln199Arg) is a missense variant that results in the substitution of glutamine with arginine. This variant is rare in population databases. The currently available literature and clinical evidence are not sufficient to establish a definitive association between this variant and the reported condition. Therefore, this variant is classified as a variant of uncertain significance.

NM_001130021.3(ATP6V0A1):c.596A>G (p.Gln199Arg)

Gene: ATP6V0A1 (ATPase H+ transporting V0 subunit a1; plus strand). Cytogenetic location: 17q21.2.
Variant type: single nucleotide variant.
Coding change: c.596A>G on transcript NM_001130021.3 (MANE Select); coding-DNA position 596, A replaced by G.
Protein change: p.Gln199Arg; replaces glutamine 199 with arginine.
Molecular consequence: missense variant. On other transcripts: intron variant (2).
Genome position (GRCh38, 1-based): chr17:42,478,552, A>G. VCF-style: chr17-42478552-A-G. GRCh37 (hg19) VCF-style: chr17-40630570-A-G.
Other names: c.437A>G, p.Gln146Arg (NM_001378543.1); c.596A>G, p.Gln199Arg (NM_001378544.1, NM_001378546.1, NM_001378547.1 and 10 more transcripts); c.416A>G, p.Gln139Arg (NM_001378549.1); c.488A>G, p.Gln163Arg (NM_001378550.1, NM_001378556.1, NM_001378536.1); c.424-2115A>G (NM_001378545.1, NM_001378554.1); c.467A>G, p.Gln156Arg (NM_001378538.1, NM_001378540.1); c.617A>G, p.Gln206Arg (NM_001378539.1, NM_001378541.1, NM_001130020.3 and 5 more transcripts); short protein forms Q139R, Q146R, Q156R, Q163R, Q199R, Q206R.
Identifiers: ClinVar variation 5020170 (VCV005020170.1).